The following is an entry in ClinVar:

NM_025144.4(ALPK1):c.2320G>A (p.Ala774Thr)

Gene: ALPK1 (alpha kinase 1; plus strand). Cytogenetic location: 4q25.
Variant type: single nucleotide variant.
Coding change: c.2320G>A on transcript NM_025144.4 (MANE Select); coding-DNA position 2320, G replaced by A.
Protein change: p.Ala774Thr; replaces alanine 774 with threonine.
Molecular consequence: missense variant.
Genome position (GRCh38, 1-based): chr4:112,431,867, G>A. VCF-style: chr4-112431867-G-A. GRCh37 (hg19) VCF-style: chr4-113353023-G-A.
Other names: c.2320G>A (NM_025144.3); c.2320G>A, p.Ala774Thr (NM_001102406.2); c.2086G>A, p.Ala696Thr (NM_001253884.2); short protein forms A696T, A774T.
Identifiers: ClinVar variation 2145621 (VCV002145621.5), dbSNP rs370054603, ClinGen allele CA3046899.

ClinVar aggregate classification (germline): Conflicting classifications of pathogenicity. Review status: criteria provided, conflicting classifications (1 of 4 stars). 2 submissions from 2 submitters: Uncertain significance (1); Likely benign (1). Last evaluated 2025-05-04.

Conditions:
Inborn genetic diseases. Identifiers: MedGen C0950123, MeSH D030342.

Allele frequency attached by ClinVar (database versions not stated): ExAC 0.00002; ESP Exome Variant Server 0.00015.
gnomAD v4.1: 98 of 1,613,834 alleles (0.0061%); highest among the groups gnomAD compares: African/African-American, 0.0093%; no homozygotes.

Submissions (2):

Labcorp Genetics (formerly Invitae), Labcorp
Classification: Uncertain significance. Last evaluated: 2025-05-04. Review status: criteria provided, single submitter. Criteria: Invitae Variant Classification Sherloc (09022015). Collection method: clinical testing. Allele origin: germline.
Comment: This sequence change replaces alanine, which is neutral and non-polar, with threonine, which is neutral and polar, at codon 774 of the ALPK1 protein (p.Ala774Thr). This variant is present in population databases (rs370054603, gnomAD 0.005%). This variant has not been reported in the literature in individuals affected with ALPK1-related conditions. ClinVar contains an entry for this variant (Variation ID: 2145621). Invitae Evidence Modeling of protein sequence and biophysical properties (such as structural, functional, and spatial information, amino acid conservation, physicochemical variation, residue mobility, and thermodynamic stability) indicates that this missense variant is not expected to disrupt ALPK1 protein function with a negative predictive value of 80%. In summary, the available evidence is currently insufficient to determine the role of this variant in disease. Therefore, it has been classified as a Variant of Uncertain Significance.

Ambry Genetics
Classification: Likely benign for Inborn genetic diseases. Last evaluated: 2024-08-19. Review status: criteria provided, single submitter. Criteria: Ambry Variant Classification Scheme 2023. Collection method: clinical testing. Allele origin: germline.